The following is an entry in ClinVar:

NM_000069.3(CACNA1S):c.699C>T (p.Ile233=)

Gene: CACNA1S (calcium voltage-gated channel subunit alpha1 S; minus strand). Cytogenetic location: 1q32.1.
Variant type: single nucleotide variant.
Coding change: c.699C>T on transcript NM_000069.3 (MANE Select); coding-DNA position 699, C replaced by T.
Protein change: p.Ile233=; no amino-acid change (isoleucine 233 retained).
Molecular consequence: synonymous variant.
Genome position (GRCh38, 1-based): chr1:201,089,459, G>A on the plus strand (C>T on the coding strand, the complement: CACNA1S is on the minus strand). VCF-style: chr1-201089459-G-A. GRCh37 (hg19) VCF-style: chr1-201058587-G-A.
Identifiers: ClinVar variation 699947 (VCV000699947.15), dbSNP rs756008578, ClinGen allele CA083963.
Genomic context (GRCh38, chr1:201,089,459, plus strand): 5'-CCGGCGCCCTGAGCCCGTCCTGGCGCAGGGCGATGGCTCTTCATTCTCCACCGTGGCCAC[G>A]ATATCTGGAGGCAGAAGGCAAAGGGAACATCAGACAACAGTAGTAGGTGGACAACGACAG-3'
Protein context (NP_000060.2, residues 223-243): HKTCYFIGTD[Ile233=]VATVENEEPS

ClinVar aggregate classification (germline): Conflicting classifications of pathogenicity. Review status: criteria provided, conflicting classifications (1 of 4 stars). 4 submissions from 4 submitters: Uncertain significance (1); Likely benign (3). Last evaluated 2025-12-10.

Conditions:
Malignant hyperthermia, susceptibility to, 5 (MHS5). Also called: CACNA1S-Related Malignant Hyperthermia Susceptibility. Identifiers: Orphanet 423, MedGen C1866077, MONDO:0011163, OMIM 601887.
Hypokalemic periodic paralysis, type 1. Also called: Hypokalemic Periodic Paralysis Type 1 (AD); HypoPP. Identifiers: Orphanet 681, MedGen C3714580, MONDO:0042979, OMIM 170400.

Allele frequency attached by ClinVar (database versions not stated): ExAC 0.00002; TOPMed 0.00002; gnomAD 0.00003.
gnomAD v4.1: 22 of 1,613,676 alleles (0.0014%); highest among the groups gnomAD compares: Admixed American, 0.0033%; no homozygotes.

Submissions (4):

Labcorp Genetics (formerly Invitae), Labcorp
Classification: Likely benign for Hypokalemic periodic paralysis, type 1; Malignant hyperthermia, susceptibility to, 5. Last evaluated: 2025-12-10. Review status: criteria provided, single submitter. Criteria: Invitae Variant Classification Sherloc (09022015). Collection method: clinical testing. Allele origin: germline.

All of Us Research Program, National Institutes of Health
Classification: Likely benign for Malignant hyperthermia, susceptibility to, 5. Last evaluated: 2024-02-05. Review status: criteria provided, single submitter. Criteria: ACMG Guidelines, 2015. Collection method: clinical testing. Allele origin: germline. Inheritance: Autosomal dominant inheritance. Observed: 4 variant alleles, 4 heterozygotes.
Comment: This study involves interpretation of variants in research participants for the purpose of population health screening. Participant phenotype was not available at the time of variant classification. Additional details can be found in publication PMID: 35346344, PMCID: PMC8962531

Color Diagnostics, LLC DBA Color Health
Classification: Likely benign for Malignant hyperthermia, susceptibility to, 5. Last evaluated: 2022-11-06. Review status: criteria provided, single submitter. Criteria: ACMG Guidelines, 2015. Collection method: clinical testing. Allele origin: germline.

Illumina Laboratory Services, Illumina
Classification: Uncertain significance for Hypokalemic periodic paralysis, type 1. Last evaluated: 2018-01-12. Review status: criteria provided, single submitter. Criteria: ICSL Variant Classification Criteria 13 December 2019. Collection method: clinical testing. Allele origin: germline.